The following is an entry in ClinVar:

ClinVar aggregate classification (germline): Uncertain significance. Review status: criteria provided, multiple submitters, no conflicts (2 of 4 stars). 2 submissions from 2 submitters: Uncertain significance (2). Last evaluated 2024-12-05.

Allele frequency attached by ClinVar (database versions not stated): TOPMed below 0.00001; gnomAD 0.00001; ExAC 0.00001; gnomAD exomes 0.00004.
gnomAD v4.1: 64 of 1,613,738 alleles (0.004%); highest among the groups gnomAD compares: Non-Finnish European, 0.0049%; no homozygotes.

Submissions (2):

Women's Health and Genetics/Laboratory Corporation of America, LabCorp
Classification: Uncertain significance. Last evaluated: 2024-12-05. Review status: criteria provided, single submitter. Criteria: LabCorp Variant Classification Summary - May 2015. Collection method: clinical testing. Allele origin: germline.
Comment: Variant summary: SLC45A2 c.125T>C (p.Met42Thr) results in a non-conservative amino acid change in the encoded protein sequence. Five of five in-silico tools predict a damaging effect of the variant on protein function. The variant allele was found at a frequency of 8e-06 in 250722 control chromosomes. The available data on variant occurrences in the general population are insufficient to allow any conclusion about variant significance. c.125T>C has been reported in the literature in a compound heterozygous individuals affected with Oculocutaneous albinism type 4 (Kruijt_2021). These data do not allow any conclusion about variant significance. To our knowledge, no experimental evidence demonstrating an impact on protein function has been reported. The following publication have been ascertained in the context of this evaluation (PMID: 34078970). ClinVar contains an entry for this variant (Variation ID: 1976159). Based on the evidence outlined above, the variant was classified as uncertain significance.

Labcorp Genetics (formerly Invitae), Labcorp
Classification: Uncertain significance. Last evaluated: 2023-12-26. Review status: criteria provided, single submitter. Criteria: Invitae Variant Classification Sherloc (09022015). Collection method: clinical testing. Allele origin: germline.
Comment: This sequence change replaces methionine, which is neutral and non-polar, with threonine, which is neutral and polar, at codon 42 of the SLC45A2 protein (p.Met42Thr). This variant is present in population databases (rs755922327, gnomAD 0.0009%). This missense change has been observed in individual(s) with clinical features of oculocutaneous albinism (PMID: 34078970; Invitae). In at least one individual the data is consistent with being in trans (on the opposite chromosome) from a pathogenic variant. ClinVar contains an entry for this variant (Variation ID: 1976159). Advanced modeling of protein sequence and biophysical properties (such as structural, functional, and spatial information, amino acid conservation, physicochemical variation, residue mobility, and thermodynamic stability) performed at Invitae indicates that this missense variant is not expected to disrupt SLC45A2 protein function with a negative predictive value of 80%. This variant disrupts the p.Met42 amino acid residue in SLC45A2. Other variant(s) that disrupt this residue have been observed in individuals with SLC45A2-related conditions (PMID: 17768386, 20861488), which suggests that this may be a clinically significant amino acid residue. In summary, the available evidence is currently insufficient to determine the role of this variant in disease. Therefore, it has been classified as a Variant of Uncertain Significance.

Literature cited by the submitters: PubMed 34078970 (cited by Women's Health and Genetics/Laboratory Corporation of America, LabCorp and Labcorp Genetics (formerly Invitae), Labcorp); PubMed 17768386 (cited by Labcorp Genetics (formerly Invitae), Labcorp); PubMed 20861488 (cited by Labcorp Genetics (formerly Invitae), Labcorp).

NM_016180.5(SLC45A2):c.125T>C (p.Met42Thr)

Gene: SLC45A2 (solute carrier family 45 member 2; minus strand). Cytogenetic location: 5p13.2.
Variant type: single nucleotide variant.
Coding change: c.125T>C on transcript NM_016180.5 (MANE Select); coding-DNA position 125, T replaced by C.
Protein change: p.Met42Thr; replaces methionine 42 with threonine.
Molecular consequence: missense variant.
Genome position (GRCh38, 1-based): chr5:33,984,459, A>G on the plus strand (T>C on the coding strand, the complement: SLC45A2 is on the minus strand). VCF-style: chr5-33984459-A-G. GRCh37 (hg19) VCF-style: chr5-33984564-A-G.
Other names: c.125T>C, p.Met42Thr (NM_001012509.4, NM_001297417.4); short protein forms M42T.
Identifiers: ClinVar variation 1976159 (VCV001976159.5), dbSNP rs755922327, ClinGen allele CA3225875.